The following is an entry in ClinVar:

NM_022124.6(CDH23):c.4104+1G>T

Genes: C10orf105 (chromosome 10 open reading frame 105; minus strand), CDH23 (cadherin related 23; plus strand). Cytogenetic location: 10q22.1.
Variant type: single nucleotide variant.
Coding change: c.4104+1G>T on transcript NM_022124.6 (MANE Select); the canonical splice donor site of the intron after coding-DNA position 4104, G replaced by T.
Molecular consequence: splice donor variant. On other transcripts: missense variant (1), intron variant (1).
Genome position (GRCh38, 1-based): chr10:71,732,376, G>T. VCF-style: chr10-71732376-G-T. GRCh37 (hg19) VCF-style: chr10-73492133-G-T.
Other names: c.4105G>T, p.Val1369Leu (NM_001171930.2); c.-6+5352C>A (NM_001168390.2); short protein forms V1369L.
Identifiers: ClinVar variation 1335937 (VCV001335937.14), dbSNP rs2132826354, ClinGen allele CA377157049.

ClinVar aggregate classification (germline): Likely pathogenic. Review status: criteria provided, multiple submitters, no conflicts (2 of 4 stars). 4 submissions from 4 submitters: Likely pathogenic (4). Last evaluated 2025-06-04.

Conditions:
CDH23-related disorder. Also called: CDH23-related disorders; CDH23-related condition.

gnomAD v4.1: 1 of 1,558,322 alleles (0.000064%); no homozygotes.

Submissions (4):

Revvity Omics, Revvity
Classification: Likely pathogenic. Last evaluated: 2025-06-04. Review status: criteria provided, single submitter. Criteria: ACMG Guidelines, 2015. Collection method: clinical testing. Allele origin: germline.

Labcorp Genetics (formerly Invitae), Labcorp
Classification: Likely pathogenic. Last evaluated: 2023-12-01. Review status: criteria provided, single submitter. Criteria: Invitae Variant Classification Sherloc (09022015). Collection method: clinical testing. Allele origin: germline.
Comment: This sequence change affects a donor splice site in intron 32 of the CDH23 gene. It is expected to disrupt RNA splicing. Variants that disrupt the donor or acceptor splice site typically lead to a loss of protein function (PMID: 16199547), and loss-of-function variants in CDH23 are known to be pathogenic (PMID: 11138009, 21940737). This variant is not present in population databases (gnomAD no frequency). This variant has not been reported in the literature in individuals affected with CDH23-related conditions. ClinVar contains an entry for this variant (Variation ID: 1335937). Algorithms developed to predict the effect of sequence changes on RNA splicing suggest that this variant may disrupt the consensus splice site. In summary, the currently available evidence indicates that the variant is pathogenic, but additional data are needed to prove that conclusively. Therefore, this variant has been classified as Likely Pathogenic.

Blueprint Genetics
Classification: Likely pathogenic for CDH23-related disorders. Last evaluated: 2022-11-04. Review status: criteria provided, single submitter. Criteria: ACMG Guidelines, 2015. Collection method: clinical testing. Allele origin: germline. Affected: yes. Observed: 1 variant allele.

Genetic Services Laboratory, University of Chicago
Classification: Likely pathogenic. Last evaluated: 2019-09-10. Review status: criteria provided, single submitter. Criteria: ACMG Guidelines, 2015. Collection method: clinical testing. Allele origin: germline. Affected: yes.
Comment: DNA sequence analysis of the CDH23 gene demonstrated a sequence change located in the canonical splice donor site in intron 32, c.4104+1G>T. This sequence change is predicted to affect normal splicing of the CDH23 gene and result in an abnormal protein; however functional studies have not been performed to prove this conclusively. This sequence change does not appear to have been previously described in patients with CDH23-related disorders. Other splice site variants located in the nearby exons have been reported in association with Usher syndrome in the literature. It has not been described in the population databases (ExAC and gnomAD). These collective evidences indicate that this sequence change is likely pathogenic.

Literature cited by the submitters: PubMed 16199547 (cited by Labcorp Genetics (formerly Invitae), Labcorp); PubMed 11138009 (cited by Labcorp Genetics (formerly Invitae), Labcorp); PubMed 21940737 (cited by Labcorp Genetics (formerly Invitae), Labcorp).